The following is an entry in ClinVar:

NC_012920.1(MT-CYB):m.15637C>T

Gene: MT-CYB (mitochondrially encoded cytochrome b; plus strand).
Variant type: single nucleotide variant.
Genome position: chrM-15637-C-T.
Identifiers: ClinVar variation 143895 (VCV000143895.4), dbSNP rs527236190, ClinGen allele CA270619.

ClinVar aggregate classification (germline): Benign. Review status: criteria provided, single submitter (1 of 4 stars). 2 submissions from 2 submitters: Benign (1). 1 of the submissions does not count toward it. Last evaluated 2022-05-04.

Conditions:
Familial cancer of breast. Also called: BREAST CANCER, FAMILIAL; Hereditary breast cancer; hereditary breast carcinoma. Identifiers: Orphanet 227535, MedGen C0346153, MONDO:0016419, OMIM 114480. Disease mechanism: loss of function.

Submissions (2):

Mendelics
Classification: Benign. Last evaluated: 2022-05-04. Review status: criteria provided, single submitter. Criteria: Mendelics Assertion Criteria 2019. Collection method: clinical testing. Allele origin: germline.

Department of Zoology Govt. MVM College
Classification: Likely pathogenic for Familial cancer of breast. Review status: no assertion criteria provided. Collection method: not provided. Allele origin: unknown. Not counted in ClinVar's aggregate classification.
Comment: KM270514
ClinVar note: Converted during submission from probable-pathogenic to Likely pathogenic.